The following is an entry in ClinVar:

ClinVar aggregate classification (germline): Uncertain significance (1 of 4 stars; one submission).

Conditions:
Anophthalmia-microphthalmia syndrome. Also called: Anophthalmia - microphthalmia; Anophthalmia/Microphthalmia. Identifiers: Orphanet 98555, MedGen C5680330, MONDO:0020147.

Allele frequency attached by ClinVar (database versions not stated): gnomAD exomes below 0.00001.
gnomAD v4.1: 8 of 1,614,176 alleles (0.0005%); highest among the groups gnomAD compares: Non-Finnish European, 0.00059%; no homozygotes.

Submission:

Labcorp Genetics (formerly Invitae), Labcorp
Classification: Uncertain significance for Anophthalmia-microphthalmia syndrome. Last evaluated: 2023-07-31. Review status: criteria provided, single submitter. Criteria: Invitae Variant Classification Sherloc (09022015). Collection method: clinical testing. Allele origin: germline.
Comment: This sequence change replaces alanine, which is neutral and non-polar, with valine, which is neutral and non-polar, at codon 118 of the OTX2 protein (p.Ala118Val). This variant is present in population databases (no rsID available, gnomAD 0.0009%). This variant has not been reported in the literature in individuals affected with OTX2-related conditions. Algorithms developed to predict the effect of missense changes on protein structure and function output the following: SIFT: "Not Available"; PolyPhen-2: "Benign"; Align-GVGD: "Not Available". The valine amino acid residue is found in multiple mammalian species, which suggests that this missense change does not adversely affect protein function. In summary, the available evidence is currently insufficient to determine the role of this variant in disease. Therefore, it has been classified as a Variant of Uncertain Significance.

NM_021728.4(OTX2):c.377C>T (p.Ala126Val)

Gene: OTX2 (orthodenticle homeobox 2; minus strand). Cytogenetic location: 14q22.3.
Variant type: single nucleotide variant.
Coding change: c.377C>T on transcript NM_021728.4 (MANE Select); coding-DNA position 377, C replaced by T.
Protein change: p.Ala126Val; replaces alanine 126 with valine.
Molecular consequence: missense variant. On other transcripts: non-coding transcript variant (2).
Genome position (GRCh38, 1-based): chr14:56,802,252, G>A on the plus strand (C>T on the coding strand, the complement: OTX2 is on the minus strand). VCF-style: chr14-56802252-G-A. GRCh37 (hg19) VCF-style: chr14-57268970-G-A.
Other names: c.353C>T, p.Ala118Val (NM_001270523.2, NM_001270524.2, NM_172337.3); c.377C>T, p.Ala126Val (NM_001270525.2); short protein forms A118V, A126V.
Identifiers: ClinVar variation 2889281 (VCV002889281.3), dbSNP rs1267666192, ClinGen allele CA390051979.
Genomic context (GRCh38, chr14:56,802,252, plus strand): 5'-GAGGTGCTAGAGGGGGGAGTGAATTGGCCACTTGTTCCACTCTCTGAACTCACTTCCCGA[G>A]CTGGAGATGTCTTCTTTTTGGCAGGTCTCACTTTGTTTTGACCTCCATTCTGCTGTTGTT-3'
Protein context (NP_068374.1, residues 116-136): VRPAKKKTSP[Ala126Val]REVSSESGTS